The following is an entry in ClinVar:

ClinVar aggregate classification (germline): Likely pathogenic (1 of 4 stars; one submission).

Conditions:
Primary ciliary dyskinesia. Also called: Ciliary dyskinesia. Identifiers: Orphanet 244, MedGen C0008780, MONDO:0016575, HP:0012265.

Submission:

The Research Institute of Tuberculosis, Japan Anti-Tuberculosis Association
Classification: Likely pathogenic for Primary ciliary dyskinesia. Last evaluated: 2026-04-07. Review status: criteria provided, single submitter. Criteria: ACMG/ClinGen CNV Guidelines, 2019. Collection method: research. Allele origin: germline. Inheritance: Autosomal recessive inheritance. Affected: yes.
Comment: 'Classification derived from Franklin (Genoox) summary and internal review. ClinGen CNV scoring framework was applied for copy-number variants. Final classification: Likely pathogenic. ClinGen CNV scoring (Franklin): total score 0.9. Key rule(s): 2C=0.9: Partial overlap with the 5'' end of an established HI/LOF-sensitive gene. Sanger sequencing_based genomic analysis confirmed a 19,673 bp deletion in the region chr3:180,669,125_180,688,797 (GRCh38). At our institution, this same deletion variant spanning exon 1 of CCDC39 was identified in two cases whose clinical features were consistent with primary ciliary dyskinesia.

Single allele

Genes: CCDC39 (coiled-coil domain 39 molecular ruler complex subunit; minus strand), CCDC39-AS1 (CCDC39 antisense RNA 1; plus strand), LOC129937993 (ATAC-STARR-seq lymphoblastoid active region 20876; plus strand), LOC129937994 (ATAC-STARR-seq lymphoblastoid active region 20877; plus strand). Cytogenetic location: 3q26.33.
Variant type: Deletion.
Identifiers: ClinVar variation 4823909 (VCV004823909.1).